The following is an entry in ClinVar:

ClinVar aggregate classification (germline): Uncertain significance. Review status: criteria provided, multiple submitters, no conflicts (2 of 4 stars). 6 submissions from 5 submitters: Uncertain significance (6). Last evaluated 2025-08-11.

Conditions:
Fibromatosis, gingival, 1 (GINGF1). Identifiers: Orphanet 2024, MedGen C4551558, MONDO:0007609, OMIM 135300.
Noonan syndrome 4 (NS4). Also called: NOONAN SYNDROME WITH PIGMENTED VILLONODULAR SYNOVITIS; SOS1-Related Noonan Syndrome. Identifiers: Orphanet 648, MedGen C1853120, MONDO:0012547, OMIM 610733.

Submissions (6):

Victorian Clinical Genetics Services, Murdoch Childrens Research Institute
Classification: Uncertain significance for Noonan syndrome 4. Last evaluated: 2025-08-11. Review status: criteria provided, single submitter. Criteria: ACMG Guidelines, 2015. Collection method: clinical testing. Allele origin: germline. Affected: yes.
Comment: This variant is classified as VUS-3C. Evidence in support of pathogenic classification: Variant is absent from gnomAD (v2, v3 and v4). Additional information: Variant is predicted to result in a missense amino acid change from Pro to Thr; This variant is heterozygous; This gene is associated with autosomal dominant disease; Previous evidence of pathogenicity for this variant is inconclusive. This variant has been classified as a VUS by clinical laboratories in ClinVar and reported in the literature in one individual with short-coupled ventricular fibrillation who'd experienced unexplained cardiac arrest (PMID: 34010395); No published evidence of segregation with disease has been identified for this variant; No published functional evidence has been identified for this variant; No comparable missense variants have previous evidence for pathogenicity; Variant is located in the annotated RhoGEF domain (DECIPHER); Missense variant with inconclusive in silico prediction and/or uninformative conservation; Gain of function is a known mechanism of disease in this gene and is associated with Noonan syndrome 4 (MIM#610733) (PMID: 17143285); Variants in this gene are known to have variable expressivity (PMID: 20301303).

Women's Health and Genetics/Laboratory Corporation of America, LabCorp
Classification: Uncertain significance. Last evaluated: 2024-09-30. Review status: criteria provided, single submitter. Criteria: LabCorp Variant Classification Summary - May 2015. Collection method: clinical testing. Allele origin: germline.
Comment: Variant summary: SOS1 c.829C>A (p.Pro277Thr) results in a non-conservative amino acid change located in the Dbl homology (DH) domain (IPR000219) of the encoded protein sequence. Three of five in-silico tools predict a benign effect of the variant on protein function. The variant was absent in 251348 control chromosomes. The available data on variant occurrences in the general population are insufficient to allow any conclusion about variant significance. c.829C>A has been reported in the literature in one unspecified individual affected with unexplained cardiac arrest , without strong evidence for causality (example, Grondin_2022). These report(s) do not provide unequivocal conclusions about association of the variant with Noonan Syndrome. To our knowledge, no experimental evidence demonstrating an impact on protein function has been reported. The following publication has been ascertained in the context of this evaluation (PMID: 35352813). ClinVar contains an entry for this variant (Variation ID: 372585). Based on the evidence outlined above, the variant was classified as uncertain significance.

Baylor Genetics
Classification: Uncertain significance for Noonan syndrome 4. Last evaluated: 2019-03-01. Review status: criteria provided, single submitter. Criteria: ACMG Guidelines, 2015. Collection method: clinical testing. Allele origin: paternal. Affected: yes.
Comment: This variant was determined to be of uncertain significance according to ACMG Guidelines, 2015 [PMID:25741868].

GeneDx
Classification: Uncertain significance. Last evaluated: 2015-03-18. Review status: criteria provided, single submitter. Criteria: GeneDx Variant Classification (06012015). Collection method: clinical testing. Allele origin: germline. Affected: yes.
Comment: The P277T variant has not been published as a pathogenic variant, nor has it been reported as a benign polymorphism to our knowledge. The P277T variant was not observed in approximately 6500 individuals of European and African American ancestry in the NHLBI Exome Sequencing Project, indicating it is not a common benign variant in these populations. The P277T variant is a non-conservative amino acid substitution, which is likely to impact secondary protein structure as these residues differ in polarity, charge, size and/or other properties. This substitution occurs at a position that is conserved across species. Furthermore, missense variants in nearby residues (M269T, M269R) have been reported in the Human Gene Mutation Database in association with Noonan syndrome (Stenson et al., 2014), supporting the functional importance of this region of the protein. However, in silico analysis is inconsistent in its predictions as to whether or not the variant is damaging to the protein structure/function.Therefore, based on the currently available information, it is unclear whether this variant is a pathogenic variant or a rare benign variant

Genome-Nilou Lab
Classification: Uncertain significance for Noonan syndrome 4. Review status: criteria provided, single submitter. Criteria: ACMG Guidelines, 2015. Collection method: clinical testing. Allele origin: germline.

Genome-Nilou Lab
Classification: Uncertain significance for Fibromatosis, gingival, 1. Review status: criteria provided, single submitter. Criteria: ACMG Guidelines, 2015. Collection method: clinical testing. Allele origin: germline.

Literature cited by the submitters: PubMed 17143285 (cited by Victorian Clinical Genetics Services, Murdoch Childrens Research Institute); PubMed 20301303 (cited by Victorian Clinical Genetics Services, Murdoch Childrens Research Institute); PubMed 34010395 (cited by Victorian Clinical Genetics Services, Murdoch Childrens Research Institute); PubMed 35352813 (cited by Women's Health and Genetics/Laboratory Corporation of America, LabCorp).

NM_005633.4(SOS1):c.829C>A (p.Pro277Thr)

Gene: SOS1 (SOS Ras/Rac guanine nucleotide exchange factor 1; minus strand). Cytogenetic location: 2p22.1.
Variant type: single nucleotide variant.
Coding change: c.829C>A on transcript NM_005633.4 (MANE Select); coding-DNA position 829, C replaced by A.
Protein change: p.Pro277Thr; replaces proline 277 with threonine.
Molecular consequence: missense variant.
Genome position (GRCh38, 1-based): chr2:39,051,179, G>T on the plus strand (C>A on the coding strand, the complement: SOS1 is on the minus strand). VCF-style: chr2-39051179-G-T. GRCh37 (hg19) VCF-style: chr2-39278320-G-T.
Other names: c.808C>A, p.Pro270Thr (NM_001382394.1); c.829C>A, p.Pro277Thr (NM_001382395.1); short protein forms P277T, P270T.
Identifiers: ClinVar variation 372585 (VCV000372585.6), dbSNP rs1057517871, ClinGen allele CA16042459.